The following is an entry in ClinVar:

NM_031935.3(HMCN1):c.12260A>T (p.Glu4087Val)

Gene: HMCN1 (hemicentin 1; plus strand). Cytogenetic location: 1q31.1.
Variant type: single nucleotide variant.
Coding change: c.12260A>T on transcript NM_031935.3 (MANE Select); coding-DNA position 12260, A replaced by T.
Protein change: p.Glu4087Val; replaces glutamic acid 4087 with valine.
Molecular consequence: missense variant.
Genome position (GRCh38, 1-based): chr1:186,122,981, A>T. VCF-style: chr1-186122981-A-T. GRCh37 (hg19) VCF-style: chr1-186092113-A-T.
Other names: short protein forms E4087V.
Identifiers: ClinVar variation 2186715 (VCV002186715.4), dbSNP rs758736236, ClinGen allele CA33457815.

ClinVar aggregate classification (germline): Uncertain significance (1 of 4 stars; one submission).

Allele frequency attached by ClinVar (database versions not stated): gnomAD exomes 0.00001; TOPMed 0.00001.
gnomAD v4.1: 11 of 1,614,044 alleles (0.00068%); highest among the groups gnomAD compares: Non-Finnish European, 0.00093%; no homozygotes.

Submission:

Labcorp Genetics (formerly Invitae), Labcorp
Classification: Uncertain significance. Last evaluated: 2025-03-19. Review status: criteria provided, single submitter. Criteria: Invitae Variant Classification Sherloc (09022015). Collection method: clinical testing. Allele origin: germline.
Comment: This sequence change replaces glutamic acid, which is acidic and polar, with valine, which is neutral and non-polar, at codon 4087 of the HMCN1 protein (p.Glu4087Val). This variant is not present in population databases (gnomAD no frequency). This variant has not been reported in the literature in individuals affected with HMCN1-related conditions. ClinVar contains an entry for this variant (Variation ID: 2186715). An algorithm developed to predict the effect of missense changes on protein structure and function (PolyPhen-2) suggests that this variant is likely to be disruptive. In summary, the available evidence is currently insufficient to determine the role of this variant in disease. Therefore, it has been classified as a Variant of Uncertain Significance.